The following is an entry in ClinVar:

NM_005883.3(APC2):c.3973C>T (p.Pro1325Ser)

Gene: APC2 (APC regulator of Wnt signaling pathway 2; plus strand). Cytogenetic location: 19p13.3.
Variant type: single nucleotide variant.
Coding change: c.3973C>T on transcript NM_005883.3 (MANE Select); coding-DNA position 3973, C replaced by T.
Protein change: p.Pro1325Ser; replaces proline 1325 with serine.
Molecular consequence: missense variant.
Genome position (GRCh38, 1-based): chr19:1,467,274, C>T. VCF-style: chr19-1467274-C-T. GRCh37 (hg19) VCF-style: chr19-1467273-C-T.
Other names: c.3970C>T, p.Pro1324Ser (NM_001351273.1); short protein forms P1324S, P1325S.
Identifiers: ClinVar variation 2038297 (VCV002038297.12), dbSNP rs766720269, ClinGen allele CA9045780.
Genomic context (GRCh38, chr19:1,467,274, plus strand): 5'-GGCGGGGGCGCCGGGGGCGCCGGCCTCCACTTTGCAGGGCACCGGCGGCGGGAGGAGGGG[C>T]CGGCGCCCACGGGTTCTCGCCCTCGCGGCGCCGCGGACCAGGAGCTGGAACTGCTGCGGG-3'
Protein context (NP_005874.1, residues 1315-1335): FAGHRRREEG[Pro1325Ser]APTGSRPRGA

ClinVar aggregate classification (germline): Conflicting classifications of pathogenicity. Review status: criteria provided, conflicting classifications (1 of 4 stars). 3 submissions from 3 submitters: Uncertain significance (2); Likely benign (1). Last evaluated 2026-02-01.

Conditions:
Inborn genetic diseases. Identifiers: MedGen C0950123, MeSH D030342.

Allele frequency attached by ClinVar (database versions not stated): gnomAD 0.00042; gnomAD exomes 0.00049; TOPMed 0.00054; 1000 Genomes Project 30x 0.00062.
gnomAD v4.1: 647 of 1,308,682 alleles (0.049%); highest among the groups gnomAD compares: Middle Eastern, 0.46%; no homozygotes.

Submissions (3):

CeGaT Center for Human Genetics Tuebingen
Classification: Likely benign. Last evaluated: 2026-02-01. Review status: criteria provided, single submitter. Criteria: CeGaT Center For Human Genetics Tuebingen Variant Classification Criteria Version 2. Collection method: clinical testing. Allele origin: germline. Affected: yes. Observed: 2 variant alleles.
Comment: APC2: PP3, BS2

Labcorp Genetics (formerly Invitae), Labcorp
Classification: Uncertain significance. Last evaluated: 2026-01-19. Review status: criteria provided, single submitter. Criteria: Invitae Variant Classification Sherloc (09022015). Collection method: clinical testing. Allele origin: germline.
Comment: This sequence change replaces proline, which is neutral and non-polar, with serine, which is neutral and polar, at codon 1325 of the APC2 protein (p.Pro1325Ser). This variant is present in population databases (rs766720269, gnomAD 0.1%). This variant has not been reported in the literature in individuals affected with APC2-related conditions. ClinVar contains an entry for this variant (Variation ID: 2038297). Invitae Evidence Modeling of protein sequence and biophysical properties (such as structural, functional, and spatial information, amino acid conservation, physicochemical variation, residue mobility, and thermodynamic stability) indicates that this missense variant is not expected to disrupt APC2 protein function with a negative predictive value of 80%. In summary, the available evidence is currently insufficient to determine the role of this variant in disease. Therefore, it has been classified as a Variant of Uncertain Significance.

Ambry Genetics
Classification: Uncertain significance for Inborn genetic diseases. Last evaluated: 2024-01-03. Review status: criteria provided, single submitter. Criteria: Ambry Variant Classification Scheme 2023. Collection method: clinical testing. Allele origin: germline.